The following is an entry in ClinVar:

ClinVar aggregate classification (germline): Uncertain significance (1 of 4 stars; one submission).

Conditions:
Short-rib thoracic dysplasia 14 with polydactyly (SRTD14). Identifiers: Orphanet 397715, MedGen C4225286, MONDO:0014688, OMIM 616546.
Joubert syndrome 23 (JBTS23). Identifiers: Orphanet 475, MedGen C4084822, MONDO:0014664, OMIM 616490.

Allele frequency attached by ClinVar (database versions not stated): TOPMed below 0.00001; gnomAD 0.00001.
gnomAD v4.1: 6 of 1,613,766 alleles (0.00037%); highest among the groups gnomAD compares: African/African-American, 0.0027%; no homozygotes.

Submission:

Labcorp Genetics (formerly Invitae), Labcorp
Classification: Uncertain significance for Joubert syndrome 23; Short-rib thoracic dysplasia 14 with polydactyly. Last evaluated: 2022-08-09. Review status: criteria provided, single submitter. Criteria: Invitae Variant Classification Sherloc (09022015). Collection method: clinical testing. Allele origin: germline.
Comment: In summary, the available evidence is currently insufficient to determine the role of this variant in disease. Therefore, it has been classified as a Variant of Uncertain Significance. Algorithms developed to predict the effect of missense changes on protein structure and function are either unavailable or do not agree on the potential impact of this missense change (SIFT: "Deleterious"; PolyPhen-2: "Probably Damaging"; Align-GVGD: "Class C15"). This variant has not been reported in the literature in individuals affected with KIAA0586-related conditions. This variant is present in population databases (rs781014789, gnomAD 0.007%). This sequence change replaces serine, which is neutral and polar, with cysteine, which is neutral and slightly polar, at codon 1241 of the KIAA0586 protein (p.Ser1241Cys).

NM_001329943.3(KIAA0586):c.3562A>T (p.Ser1188Cys)

Gene: KIAA0586 (KIAA0586; plus strand). Cytogenetic location: 14q23.1.
Variant type: single nucleotide variant.
Coding change: c.3562A>T on transcript NM_001329943.3 (MANE Select); coding-DNA position 3562, A replaced by T.
Protein change: p.Ser1188Cys; replaces serine 1188 with cysteine.
Molecular consequence: missense variant.
Genome position (GRCh38, 1-based): chr14:58,488,655, A>T. VCF-style: chr14-58488655-A-T. GRCh37 (hg19) VCF-style: chr14-58955373-A-T.
Other names: c.3721A>T, p.Ser1241Cys (NM_001244189.2); c.3517A>T, p.Ser1173Cys (NM_001244190.2); c.3307A>T, p.Ser1103Cys (NM_001244191.2, NM_001329945.2, NM_001364700.1 and 1 more transcripts); c.3430A>T, p.Ser1144Cys (NM_001244192.2); c.3142A>T, p.Ser1048Cys (NM_001244193.2); c.3562A>T, p.Ser1188Cys (NM_001329944.2, NM_001329946.2, NM_001329947.2); c.3334A>T, p.Ser1112Cys (NM_014749.5); short protein forms S1048C, S1103C, S1112C, S1173C, S1188C, S1144C, S1241C.
Identifiers: ClinVar variation 2182593 (VCV002182593.4), dbSNP rs781014789, ClinGen allele CA7206201.
Genomic context (GRCh38, chr14:58,488,655, plus strand): 5'-CTCCAAATATGTCTTTATTTTCTTAGTGTAATGTCTGTGGCTAAGGATGAAGAACCAGAG[A>T]GTATGGATTTCCCTGCTCAGCCTCCACCTCCAGAGCCAGTTCCCTTTATGCCATTTCCTG-3'
Protein context (NP_001316872.1, residues 1178-1198): MSVAKDEEPE[Ser1188Cys]MDFPAQPPPP